The following is an entry in ClinVar:

ClinVar aggregate classification (germline): Uncertain significance. Review status: criteria provided, multiple submitters, no conflicts (2 of 4 stars). 3 submissions from 3 submitters: Uncertain significance (3). Last evaluated 2025-12-22.

Allele frequency attached by ClinVar (database versions not stated): ExAC 0.00002; gnomAD exomes 0.00002 and 0.00003; TOPMed 0.00002; gnomAD 0.00003.
gnomAD v4.1: 50 of 1,614,048 alleles (0.0031%); highest among the groups gnomAD compares: Non-Finnish European, 0.0036%; no homozygotes.

Submissions (3):

Labcorp Genetics (formerly Invitae), Labcorp
Classification: Uncertain significance. Last evaluated: 2025-12-22. Review status: criteria provided, single submitter. Criteria: Invitae Variant Classification Sherloc (09022015). Collection method: clinical testing. Allele origin: germline.
Comment: This sequence change replaces phenylalanine, which is neutral and non-polar, with leucine, which is neutral and non-polar, at codon 71 of the LAMTOR2 protein (p.Phe71Leu). This variant is present in population databases (rs757710432, gnomAD 0.004%). This variant has not been reported in the literature in individuals affected with LAMTOR2-related conditions. ClinVar contains an entry for this variant (Variation ID: 1419273). An algorithm developed to predict the effect of missense changes on protein structure and function (PolyPhen-2) suggests that this variant is likely to be tolerated. In summary, the available evidence is currently insufficient to determine the role of this variant in disease. Therefore, it has been classified as a Variant of Uncertain Significance.

Blueprint Genetics
Classification: Uncertain significance. Last evaluated: 2021-12-28. Review status: criteria provided, single submitter. Criteria: ACMG Guidelines, 2015. Collection method: clinical testing. Allele origin: germline.

Ambry Genetics
Classification: Uncertain significance. Last evaluated: 2021-06-11. Review status: criteria provided, single submitter. Criteria: Ambry Variant Classification Scheme 2023. Collection method: clinical testing. Allele origin: germline.

NM_014017.4(LAMTOR2):c.211T>C (p.Phe71Leu)

Genes: LAMTOR2 (late endosomal/lysosomal adaptor, MAPK and MTOR activator 2; plus strand), LOC129931594 (ATAC-STARR-seq lymphoblastoid active region 1836; plus strand). Cytogenetic location: 1q22.
Variant type: single nucleotide variant.
Coding change: c.211T>C on transcript NM_014017.4 (MANE Select); coding-DNA position 211, T replaced by C.
Protein change: p.Phe71Leu; replaces phenylalanine 71 with leucine.
Molecular consequence: missense variant.
Genome position (GRCh38, 1-based): chr1:156,055,405, T>C. VCF-style: chr1-156055405-T-C. GRCh37 (hg19) VCF-style: chr1-156025196-T-C.
Other names: c.211T>C (NM_014017.3); c.211T>C, p.Phe71Leu (NM_001145264.2); short protein forms F71L.
Identifiers: ClinVar variation 1419273 (VCV001419273.10), dbSNP rs757710432, ClinGen allele CA1154332.
Genomic context (GRCh38, chr1:156,055,405, plus strand): 5'-AACATCTGGGCCGCCTACGACCGGAACGGGAACCAAGCGTTTAATGAAGACAATCTCAAA[T>C]TCATCCTCATGGACTGCATGGTATGGAGAGGGGAGCCAGACTTCCCCTGTCCCCCAAAGG-3'
Protein context (NP_054736.1, residues 61-81): NQAFNEDNLK[Phe71Leu]ILMDCMEGRV